The following is an entry in ClinVar:

ClinVar aggregate classification (germline): Benign/Likely benign. Review status: criteria provided, multiple submitters, no conflicts (2 of 4 stars). 2 submissions from 2 submitters: Benign (1); Likely benign (1). Last evaluated 2025-07-07.

Conditions:
Pitt-Hopkins-like syndrome 2 (PTHSL2). Identifiers: Orphanet 221150, Orphanet 600663, MedGen C3280479, MONDO:0013690, OMIM 614325.

Allele frequency attached by ClinVar (database versions not stated): ExAC 0.00004; gnomAD 0.00008 and 0.00009; TOPMed 0.00013; ESP Exome Variant Server 0.00024; gnomAD exomes 0.00001 and 0.00002.
gnomAD v4.1: 25 of 1,609,910 alleles (0.0016%); highest among the groups gnomAD compares: African/African-American, 0.016%; no homozygotes.

Submissions (2):

Labcorp Genetics (formerly Invitae), Labcorp
Classification: Likely benign for Pitt-Hopkins-like syndrome 2. Last evaluated: 2025-07-07. Review status: criteria provided, single submitter. Criteria: Invitae Variant Classification Sherloc (09022015). Collection method: clinical testing. Allele origin: germline.

GeneDx
Classification: Benign. Last evaluated: 2015-07-15. Review status: criteria provided, single submitter. Criteria: GeneDx Variant Classification (06012015). Collection method: clinical testing. Allele origin: germline. Affected: yes.
Comment: This variant is considered likely benign or benign based on one or more of the following criteria: it is a conservative change, it occurs at a poorly conserved position in the protein, it is predicted to be benign by multiple in silico algorithms, and/or has population frequency not consistent with disease.

NM_001330078.2(NRXN1):c.1134+8C>T

Gene: NRXN1 (neurexin 1; minus strand). Cytogenetic location: 2p16.3.
Variant type: single nucleotide variant.
Coding change: c.1134+8C>T on transcript NM_001330078.2 (MANE Select); 8 bases into the intron after coding-DNA position 1134, C replaced by T.
Molecular consequence: intron variant.
Genome position (GRCh38, 1-based): chr2:50,623,306, G>A on the plus strand (C>T on the coding strand, the complement: NRXN1 is on the minus strand). VCF-style: chr2-50623306-G-A. GRCh37 (hg19) VCF-style: chr2-50850444-G-A.
Other names: c.1074+8C>T (NM_001330096.2, NM_001330087.2, NM_001330083.2 and 1 more transcripts); c.1104+8C>T (NM_001330088.2); c.1131+8C>T (NM_001330093.2); c.1122+8C>T (NM_001330094.2); c.1134+8C>T (NM_001330095.2, NM_001330082.2, NM_001330077.2 and 3 more transcripts); c.1233+8C>T (NM_001135659.3).
Identifiers: ClinVar variation 378287 (VCV000378287.11), dbSNP rs200448187, ClinGen allele CA1655124.